The following is an entry in ClinVar:

NM_004525.3(LRP2):c.12376G>A (p.Gly4126Ser)

Gene: LRP2 (LDL receptor related protein 2; minus strand). Cytogenetic location: 2q31.1.
Variant type: single nucleotide variant.
Coding change: c.12376G>A on transcript NM_004525.3 (MANE Select); coding-DNA position 12376, G replaced by A.
Protein change: p.Gly4126Ser; replaces glycine 4126 with serine.
Molecular consequence: missense variant.
Genome position (GRCh38, 1-based): chr2:169,152,884, C>T on the plus strand (G>A on the coding strand, the complement: LRP2 is on the minus strand). VCF-style: chr2-169152884-C-T. GRCh37 (hg19) VCF-style: chr2-170009394-C-T.
Other names: c.12376G>A (NM_004525.2); short protein forms G4126S.
Identifiers: ClinVar variation 1505724 (VCV001505724.10), dbSNP rs114667698, ClinGen allele CA1952820.

ClinVar aggregate classification (germline): Uncertain significance. Review status: criteria provided, multiple submitters, no conflicts (2 of 4 stars). 6 submissions from 6 submitters: Uncertain significance (6). Last evaluated 2026-08-10.

Conditions:
Donnai-Barrow syndrome. Also called: DBS/FOAR SYNDROME; FACIOOCULOACOUSTICORENAL SYNDROME. Identifiers: Orphanet 2143, MedGen C1857277, MONDO:0009104, OMIM 222448.
LRP2-related disorder. Also called: LRP2-related condition.
Inborn genetic diseases. Identifiers: MedGen C0950123, MeSH D030342.

Allele frequency attached by ClinVar (database versions not stated): gnomAD exomes 0.00002; TOPMed 0.00003; ExAC 0.00002; gnomAD 0.00003 and 0.00002; 1000 Genomes Project 30x 0.00031; 1000 Genomes Project 0.00020.
gnomAD v4.1: 37 of 1,614,056 alleles (0.0023%); highest among the groups gnomAD compares: Middle Eastern, 0.016%; no homozygotes.

Submissions (6):

Ambry Genetics
Classification: Uncertain significance for Inborn genetic diseases. Last evaluated: 2026-08-10. Review status: criteria provided, single submitter. Criteria: Ambry Variant Classification Scheme 2023. Collection method: clinical testing. Allele origin: germline.
Comment: The c.12376G>A (p.G4126S) alteration is located in exon 67 (coding exon 67) of the LRP2 gene. This alteration results from a G to A substitution at nucleotide position 12376, causing the glycine (G) at amino acid position 4126 to be replaced by a serine (S). Based on data from gnomAD, the A allele has an overall frequency of 0.003% (8/282724) total alleles studied. The highest observed frequency was 0.006% (8/129050) of European (non-Finnish) alleles. This amino acid position is not well conserved in available vertebrate species. This alteration is predicted to be tolerated by in silico analysis. Based on insufficient or conflicting evidence, the clinical significance of this alteration remains unclear.

PreventionGenetics, part of Exact Sciences
Classification: Uncertain significance for LRP2-related condition. Last evaluated: 2025-07-02. Review status: criteria provided, single submitter. Criteria: ACMG Guidelines, 2015. Collection method: clinical testing. Allele origin: germline.
Comment: The LRP2 c.12376G>A variant is predicted to result in the amino acid substitution p.Gly4126Ser. To our knowledge, this variant has not been reported in the literature. This variant is reported in 0.0062% of alleles in individuals of European (Non-Finnish) descent in gnomAD. At this time, the clinical significance of this variant is uncertain due to the absence of conclusive functional and genetic evidence.

Fulgent Genetics
Classification: Uncertain significance for Donnai-Barrow syndrome. Last evaluated: 2024-06-03. Review status: criteria provided, single submitter. Criteria: ACMG Guidelines, 2015. Collection method: clinical testing. Allele origin: germline.

GeneDx
Classification: Uncertain significance. Last evaluated: 2024-03-07. Review status: criteria provided, single submitter. Criteria: GeneDx Variant Classification Process June 2021. Collection method: clinical testing. Allele origin: germline. Affected: yes.
Comment: In silico analysis supports that this missense variant has a deleterious effect on protein structure/function; Has not been previously published as pathogenic or benign to our knowledge

Labcorp Genetics (formerly Invitae), Labcorp
Classification: Uncertain significance. Last evaluated: 2022-06-04. Review status: criteria provided, single submitter. Criteria: Invitae Variant Classification Sherloc (09022015). Collection method: clinical testing. Allele origin: germline.
Comment: This sequence change replaces glycine, which is neutral and non-polar, with serine, which is neutral and polar, at codon 4126 of the LRP2 protein (p.Gly4126Ser). This variant is present in population databases (rs114667698, gnomAD 0.006%). This variant has not been reported in the literature in individuals affected with LRP2-related conditions. ClinVar contains an entry for this variant (Variation ID: 1505724). Advanced modeling of protein sequence and biophysical properties (such as structural, functional, and spatial information, amino acid conservation, physicochemical variation, residue mobility, and thermodynamic stability) performed at Invitae indicates that this missense variant is not expected to disrupt LRP2 protein function. Algorithms developed to predict the effect of sequence changes on RNA splicing suggest that this variant may create or strengthen a splice site. In summary, the available evidence is currently insufficient to determine the role of this variant in disease. Therefore, it has been classified as a Variant of Uncertain Significance.

Breakthrough Genomics
Classification: Uncertain significance. Review status: criteria provided, single submitter. Criteria: ACMG Guidelines, 2015. Collection method: not provided. Allele origin: germline. Inheritance: Autosomal recessive inheritance. Affected: yes.